The following is an entry in ClinVar:

NM_024422.6(DSC2):c.1077+11G>T

Gene: DSC2 (desmocollin 2; minus strand). Cytogenetic location: 18q12.1.
Variant type: single nucleotide variant.
Coding change: c.1077+11G>T on transcript NM_024422.6 (MANE Select); 11 bases into the intron after coding-DNA position 1077, G replaced by T.
Molecular consequence: intron variant.
Genome position (GRCh38, 1-based): chr18:31,082,915, C>A on the plus strand (G>T on the coding strand, the complement: DSC2 is on the minus strand). VCF-style: chr18-31082915-C-A. GRCh37 (hg19) VCF-style: chr18-28662881-C-A.
Other names: c.1077+11G>T (NM_004949.5).
Identifiers: ClinVar variation 179440 (VCV000179440.11), dbSNP rs727504868, ClinGen allele CA022399.
Genomic context (GRCh38, chr18:31,082,915, plus strand): 5'-GCCAGAGATGTGCATATTAAACAATTAAAACTGGTCTATACATTTTTCTTTAATTAATAT[C>A]ATACACTTACAGAAGTACGAGTAAATGTTGGCAAGTGGTCATTTACATCATCAATGTTAA-3'

ClinVar aggregate classification (germline): Likely benign. Review status: criteria provided, multiple submitters, no conflicts (2 of 4 stars). 2 submissions from 2 submitters: Likely benign (2). Last evaluated 2025-06-12.

Conditions:
Arrhythmogenic right ventricular dysplasia 11. Also called: Arrhythmogenic right ventricular dysplasia 11 with mild palmoplantar keratoderma and woolly hair; Arrhythmogenic Right Ventricular Dysplasia/Cardiomyopathy11; ARRHYTHMOGENIC RIGHT VENTRICULAR DYSPLASIA, FAMILIAL, 11. Identifiers: MedGen C1864850, MONDO:0012506, OMIM 610476.

Allele frequency attached by ClinVar (database versions not stated): TOPMed below 0.00001; gnomAD exomes below 0.00001; gnomAD 0.00001.
gnomAD v4.1: 3 of 1,612,406 alleles (0.00019%); highest among the groups gnomAD compares: Admixed American, 0.0017%; no homozygotes.

Submissions (2):

Labcorp Genetics (formerly Invitae), Labcorp
Classification: Likely benign for Arrhythmogenic right ventricular dysplasia 11. Last evaluated: 2025-06-12. Review status: criteria provided, single submitter. Criteria: Invitae Variant Classification Sherloc (09022015). Collection method: clinical testing. Allele origin: germline.

Laboratory for Molecular Medicine, Mass General Brigham Personalized Medicine
Classification: Likely benign. Last evaluated: 2013-12-04. Review status: criteria provided, single submitter. Criteria: LMM Criteria. Collection method: clinical testing. Allele origin: germline. Observed: 1 variant allele.
Comment: 1077+11G>A in intron 8 of DSC2: This variant is not expected to have clinical si gnificance because it is not located within the splice consensus sequence. 107 7+11G>A in intron 8 of DSC2 (allele frequency = n/a)